The following is an entry in ClinVar:

NM_003128.3(SPTBN1):c.5730_5731del (p.Asp1912fs)

Gene: SPTBN1 (spectrin beta, non-erythrocytic 1; plus strand). Cytogenetic location: 2p16.2.
Variant type: Deletion.
Coding change: c.5730_5731del on transcript NM_003128.3 (MANE Select); coding-DNA positions 5730 to 5731, 2 bases deleted (AG; older notation c.5730_5731delAG).
Protein change: p.Asp1912fs; shifts the reading frame from aspartic acid 1912.
Molecular consequence: frameshift variant.
Genome position (GRCh38, 1-based): chr2:54,653,761-54,653,762, AG deleted. VCF-style (leftmost placement, unchanged base first): chr2-54653760-CAG-C. GRCh37 (hg19) VCF-style: chr2-54880897-CAG-C.
Other names: c.5691_5692del, p.Asp1899fs (NM_178313.3); c.5730_5731delAG (NM_003128.2); short protein forms D1899fs, D1912fs.
Identifiers: ClinVar variation 2430887 (VCV002430887.6), dbSNP rs765239220, ClinGen allele CA1661434.

ClinVar aggregate classification (germline): Conflicting classifications of pathogenicity. Review status: criteria provided, conflicting classifications (1 of 4 stars). 4 submissions from 4 submitters: Pathogenic (1); Likely pathogenic (2); Uncertain significance (1). Last evaluated 2025-12-16.

Conditions:
Inborn genetic diseases. Identifiers: MedGen C0950123, MeSH D030342.
Developmental delay, impaired speech, and behavioral abnormalities. Identifiers: MedGen C5561957, MONDO:0859178, OMIM 619475.

Allele frequency attached by ClinVar (database versions not stated): gnomAD exomes below 0.00001; ExAC 0.00001.

Submissions (4):

3billion
Classification: Uncertain significance for Developmental delay, impaired speech, and behavioral abnormalities. Last evaluated: 2025-12-16. Review status: criteria provided, single submitter. Criteria: ACMG Guidelines, 2015. Collection method: clinical testing. Allele origin: germline. Affected: yes.
Comment: The variant is observed at an extremely low frequency in the gnomAD v4.1.0 dataset (total allele frequency: <0.001%). Predicted Consequence/Location: Frameshift: predicted to result in a loss or disruption of normal protein function through nonsense-mediated decay (NMD) or protein truncation. Multiple pathogenic variants are reported downstream of the variant. The variant has been reported at least twice as pathogenic without evidence for the classification (ClinVar ID: VCV002430887 /3billion dataset). However, the evidence of pathogenicity is insufficient at this time. Therefore, this variant is classified as VUS according to the recommendation of ACMG/AMP guideline.

GeneDx
Classification: Likely pathogenic. Last evaluated: 2025-09-14. Review status: criteria provided, single submitter. Criteria: GeneDx Variant Classification Process June 2021. Collection method: clinical testing. Allele origin: germline.
Comment: De novo variant with confirmed parentage in a patient with congenital heart defect in published literature; however, the reported clinical features are not consistent with the features typically observed in individuals with pathogenic variants in this gene (PMID: 32368696); Frameshift variant predicted to result in protein truncation or nonsense mediated decay in a gene for which loss of function is a known mechanism of disease; This variant is associated with the following publications: (PMID: 32368696, 35468861, 33057194, 35982159)

Greenwood Genetic Center Diagnostic Laboratories, Greenwood Genetic Center
Classification: Likely pathogenic for Developmental delay, impaired speech, and behavioral abnormalities. Last evaluated: 2025-01-07. Review status: criteria provided, single submitter. Criteria: ACMG Guidelines, 2015. Collection method: clinical testing. Allele origin: germline. Affected: yes.
Comment: PVS1, PM2

Ambry Genetics
Classification: Pathogenic for Inborn genetic diseases. Last evaluated: 2024-06-13. Review status: criteria provided, single submitter. Criteria: Ambry Variant Classification Scheme 2023. Collection method: clinical testing. Allele origin: germline.
Comment: The c.5730_5731delAG (p.D1912Qfs*35) alteration, located in exon 27 (coding exon 26) of the SPTBN1 gene, consists of a deletion of 2 nucleotides from position 5730 to 5731, causing a translational frameshift with a predicted alternate stop codon after 35 amino acids. This alteration is expected to result in loss of function by premature protein truncation or nonsense-mediated mRNA decay. Based on data from gnomAD, this allele has an overall frequency of <0.001% (1/251184) total alleles studied. The highest observed frequency was 0.003% (1/30616) of South Asian alleles. This variant has been detected heterozygous in one individual in an autism spectrum disorder and epileptic encephalopathy cohort and de novo in one individual with an unrelated cardiac phenotype (Edwards, 2020; Hamanaka, 2022). Based on the available evidence, this alteration is classified as pathogenic.

Literature cited by the submitters: PubMed 32368696 (cited by Ambry Genetics); PubMed 35468861 (cited by Ambry Genetics).